The following is an entry in ClinVar:

ClinVar aggregate classification (germline): Uncertain significance (1 of 4 stars; one submission).

Conditions:
Hypertrophic cardiomyopathy. Also called: HYPERTROPHIC MYOCARDIOPATHY. Identifiers: Orphanet 217569, MedGen C0007194, MeSH D002312, MONDO:0005045, HP:0001639.

Submission:

Labcorp Genetics (formerly Invitae), Labcorp
Classification: Uncertain significance for Hypertrophic cardiomyopathy. Last evaluated: 2021-08-05. Review status: criteria provided, single submitter. Criteria: Invitae Variant Classification Sherloc (09022015). Collection method: clinical testing. Allele origin: germline.
Comment: In summary, the available evidence is currently insufficient to determine the role of this variant in disease. Therefore, it has been classified as a Variant of Uncertain Significance. This variant is found within a region of MYH7 between codons 181 and 937 that contains the majority of the myosin head domain. Missense variants in this region have been shown to be significantly overrepresented in individuals with hypertrophic cardiomyopathy (PMID: 27532257). This variant disrupts the p.Arg442 amino acid residue in MYH7. Other variant(s) that disrupt this residue have been determined to be pathogenic (PMID: 17125710, 18533079, 23674513, 28615295). This suggests that this residue is clinically significant, and that variants that disrupt this residue are likely to be disease-causing. Algorithms developed to predict the effect of missense changes on protein structure and function are either unavailable or do not agree on the potential impact of this missense change (SIFT: "Deleterious"; PolyPhen-2: "Possibly Damaging"; Align-GVGD: "Class C0"). This variant has not been reported in the literature in individuals affected with MYH7-related conditions. This variant is not present in population databases (ExAC no frequency). This sequence change replaces arginine with proline at codon 442 of the MYH7 protein (p.Arg442Pro). The arginine residue is highly conserved and there is a moderate physicochemical difference between arginine and proline.

Literature cited by the submitters: PubMed 27532257; PubMed 17125710; PubMed 18533079; PubMed 23674513; PubMed 28615295.

NM_000257.4(MYH7):c.1325G>C (p.Arg442Pro)

Gene: MYH7 (myosin heavy chain 7; minus strand). Cytogenetic location: 14q11.2.
Variant type: single nucleotide variant.
Coding change: c.1325G>C on transcript NM_000257.4 (MANE Select); coding-DNA position 1325, G replaced by C.
Protein change: p.Arg442Pro; replaces arginine 442 with proline.
Molecular consequence: missense variant.
Genome position (GRCh38, 1-based): chr14:23,429,037, C>G on the plus strand (G>C on the coding strand, the complement: MYH7 is on the minus strand). VCF-style: chr14-23429037-C-G. GRCh37 (hg19) VCF-style: chr14-23898246-C-G.
Other names: short protein forms R442P.
Identifiers: ClinVar variation 1372545 (VCV001372545.6), dbSNP rs730880870, ClinGen allele CA389050859.
Genomic context (GRCh38, chr14:23,429,037, plus strand): 5'-ATGTCCAGGACTCCTATGAAGTACTGGCGTGGCTGCTTGGTCTCCAGGGTGGCATTGATG[C>G]GCGTCACCATCCAGTTGAACATCCTCTCATACACTGCCTTGGCCAGTGCCCCAGTGGCAT-3'
Protein context (NP_000248.2, residues 432-452): YERMFNWMVT[Arg442Pro]INATLETKQP